The following is an entry in ClinVar:

ClinVar aggregate classification (germline): Uncertain significance (1 of 4 stars; one submission).

Submission:

Ambry Genetics
Classification: Uncertain significance. Last evaluated: 2022-04-19. Review status: criteria provided, single submitter. Criteria: Ambry Variant Classification Scheme 2023. Collection method: clinical testing. Allele origin: germline.
Comment: The p.A479P variant (also known as c.1435G>C), located in coding exon 10 of the RINT1 gene, results from a G to C substitution at nucleotide position 1435. The alanine at codon 479 is replaced by proline, an amino acid with highly similar properties. This amino acid position is conserved. In addition, this alteration is predicted to be deleterious by in silico analysis. Since supporting evidence is limited at this time, the clinical significance of this alteration remains unclear.

NM_021930.6(RINT1):c.1435G>C (p.Ala479Pro)

Gene: RINT1 (RAD50 interactor 1; plus strand). Cytogenetic location: 7q22.3.
Variant type: single nucleotide variant.
Coding change: c.1435G>C on transcript NM_021930.6 (MANE Select); coding-DNA position 1435, G replaced by C.
Protein change: p.Ala479Pro; replaces alanine 479 with proline.
Molecular consequence: missense variant. On other transcripts: non-coding transcript variant (1).
Genome position (GRCh38, 1-based): chr7:105,551,671, G>C. VCF-style: chr7-105551671-G-C. GRCh37 (hg19) VCF-style: chr7-105192118-G-C.
Other names: c.1201G>C, p.Ala401Pro (NM_001346599.2); c.412G>C, p.Ala138Pro (NM_001346600.2, NM_001346603.2); c.511G>C, p.Ala171Pro (NM_001346601.2); short protein forms A138P, A401P, A171P, A479P.
Identifiers: ClinVar variation 1772607 (VCV001772607.3), dbSNP rs2133407788, ClinGen allele CA368810377.